The following is an entry in ClinVar:

ClinVar aggregate classification (germline): Uncertain significance. Review status: criteria provided, multiple submitters, no conflicts (2 of 4 stars). 2 submissions from 2 submitters: Uncertain significance (2). Last evaluated 2025-06-10.

Allele frequency attached by ClinVar (database versions not stated): gnomAD exomes below 0.00001; ExAC 0.00001.
gnomAD v4.1: 5 of 1,598,170 alleles (0.00031%); highest among the groups gnomAD compares: Non-Finnish European, 0.00043%; no homozygotes.

Submissions (2):

Labcorp Genetics (formerly Invitae), Labcorp
Classification: Uncertain significance. Last evaluated: 2025-06-10. Review status: criteria provided, single submitter. Criteria: Invitae Variant Classification Sherloc (09022015). Collection method: clinical testing. Allele origin: germline.
Comment: This sequence change replaces isoleucine, which is neutral and non-polar, with valine, which is neutral and non-polar, at codon 389 of the SRP72 protein (p.Ile389Val). This variant is present in population databases (rs756336290, gnomAD 0.0009%). This variant has not been reported in the literature in individuals affected with SRP72-related conditions. ClinVar contains an entry for this variant (Variation ID: 2778910). Invitae Evidence Modeling of protein sequence and biophysical properties (such as structural, functional, and spatial information, amino acid conservation, physicochemical variation, residue mobility, and thermodynamic stability) indicates that this missense variant is not expected to disrupt SRP72 protein function with a negative predictive value of 80%. In summary, the available evidence is currently insufficient to determine the role of this variant in disease. Therefore, it has been classified as a Variant of Uncertain Significance.

Ambry Genetics
Classification: Uncertain significance. Last evaluated: 2025-05-25. Review status: criteria provided, single submitter. Criteria: Ambry Variant Classification Scheme 2023. Collection method: clinical testing. Allele origin: germline.
Comment: The p.I389V variant (also known as c.1165A>G), located in coding exon 12 of the SRP72 gene, results from an A to G substitution at nucleotide position 1165. The isoleucine at codon 389 is replaced by valine, an amino acid with highly similar properties. This amino acid position is conserved. In addition, this alteration is predicted to be tolerated by in silico analysis. Based on the available evidence, the clinical significance of this variant remains unclear.

NM_006947.4(SRP72):c.1165A>G (p.Ile389Val)

Gene: SRP72 (signal recognition particle 72; plus strand). Cytogenetic location: 4q12.
Variant type: single nucleotide variant.
Coding change: c.1165A>G on transcript NM_006947.4 (MANE Select); coding-DNA position 1165, A replaced by G.
Protein change: p.Ile389Val; replaces isoleucine 389 with valine.
Molecular consequence: missense variant. On other transcripts: non-coding transcript variant (1).
Genome position (GRCh38, 1-based): chr4:56,487,954, A>G. VCF-style: chr4-56487954-A-G. GRCh37 (hg19) VCF-style: chr4-57354120-A-G.
Other names: c.982A>G, p.Ile328Val (NM_001267722.2); c.1165A>G (NM_006947.3); short protein forms I389V, I328V.
Identifiers: ClinVar variation 2778910 (VCV002778910.4), dbSNP rs756336290, ClinGen allele CA2931300.